The following is an entry in ClinVar:

ClinVar aggregate classification (germline): Conflicting classifications of pathogenicity. Review status: criteria provided, conflicting classifications (1 of 4 stars). 3 submissions from 3 submitters: Uncertain significance (2); Likely benign (1). Last evaluated 2025-08-19.

Conditions:
Hereditary cancer-predisposing syndrome. Also called: Tumor predisposition; Hereditary neoplastic syndrome; Neoplastic Syndromes, Hereditary; Hereditary Cancer Syndrome. Identifiers: Orphanet 140162, MedGen C0027672, MeSH D009386, MONDO:0015356.
Hereditary breast ovarian cancer syndrome. Also called: Hereditary breast and ovarian cancer; Breast and ovarian cancer; Hereditary breast and/or ovarian cancer syndrome; Hereditary breast and ovarian cancer syndrome; Hereditary breast and ovarian cancer syndrome (HBOC); BRCA1- and BRCA2-Associated Hereditary Breast and Ovarian Cancer. Identifiers: Orphanet 145, MedGen C0677776, MeSH D061325, MONDO:0003582. Disease mechanism: loss of function.

Submissions (3):

Ambry Genetics
Classification: Uncertain significance for Hereditary cancer-predisposing syndrome. Last evaluated: 2025-08-19. Review status: criteria provided, single submitter. Criteria: Ambry Variant Classification Scheme 2023. Collection method: clinical testing. Allele origin: germline.
Comment: The p.S2046L variant (also known as c.6137C>T), located in coding exon 10 of the BRCA2 gene, results from a C to T substitution at nucleotide position 6137. The serine at codon 2046 is replaced by leucine, an amino acid with dissimilar properties. This amino acid position is conserved. In addition, this alteration is predicted to be tolerated by in silico analysis. Based on the available evidence, the clinical significance of this variant remains unclear.

Labcorp Genetics (formerly Invitae), Labcorp
Classification: Uncertain significance for Hereditary breast ovarian cancer syndrome. Last evaluated: 2024-08-05. Review status: criteria provided, single submitter. Criteria: Invitae Variant Classification Sherloc (09022015). Collection method: clinical testing. Allele origin: germline.
Comment: This sequence change replaces serine, which is neutral and polar, with leucine, which is neutral and non-polar, at codon 2046 of the BRCA2 protein (p.Ser2046Leu). This variant is not present in population databases (gnomAD no frequency). This variant has not been reported in the literature in individuals affected with BRCA2-related conditions. ClinVar contains an entry for this variant (Variation ID: 859719). Advanced modeling of protein sequence and biophysical properties (such as structural, functional, and spatial information, amino acid conservation, physicochemical variation, residue mobility, and thermodynamic stability) performed at Invitae indicates that this missense variant is not expected to disrupt BRCA2 protein function with a negative predictive value of 95%. In summary, the available evidence is currently insufficient to determine the role of this variant in disease. Therefore, it has been classified as a Variant of Uncertain Significance.

University of Washington Department of Laboratory Medicine, University of Washington
Classification: Likely benign for Hereditary cancer-predisposing syndrome. Last evaluated: 2023-03-23. Review status: criteria provided, single submitter. Criteria: Dines et al. (Genet Med. 2020). Collection method: curation. Allele origin: germline.
Comment: Missense variant in a coldspot region where missense variants are very unlikely to be pathogenic (PMID:31911673).

BRCA2 exon 11 coldspot. Reclassification based on statistical prior probability.

NM_000059.4(BRCA2):c.6137C>T (p.Ser2046Leu)

Gene: BRCA2 (BRCA2 DNA repair associated; plus strand). Cytogenetic location: 13q13.1.
Variant type: single nucleotide variant.
Coding change: c.6137C>T on transcript NM_000059.4 (MANE Select); coding-DNA position 6137, C replaced by T.
Protein change: p.Ser2046Leu; replaces serine 2046 with leucine.
Molecular consequence: missense variant.
Genome position (GRCh38, 1-based): chr13:32,340,492, C>T. VCF-style: chr13-32340492-C-T. GRCh37 (hg19) VCF-style: chr13-32914629-C-T.
Other names: short protein forms S2046L.
Identifiers: ClinVar variation 859719 (VCV000859719.12), dbSNP rs2072547315, ClinGen allele CA387788231.
Genomic context (GRCh38, chr13:32,340,492, plus strand): 5'-CAAGAGAAGAAAATACTGCTATACGTACTCCAGAACATTTAATATCCCAAAAAGGCTTTT[C>T]ATATAATGTGGTAAATTCATCTGCTTTCTCTGGATTTAGTACAGCAAGTGGAAAGCAAGT-3'
Protein context (NP_000050.3, residues 2036-2056): PEHLISQKGF[Ser2046Leu]YNVVNSSAFS